The following is an entry in ClinVar:

ClinVar aggregate classification (germline): Conflicting classifications of pathogenicity. Review status: criteria provided, conflicting classifications (1 of 4 stars). 23 submissions from 19 submitters: Uncertain significance (3); Benign (7); Likely benign (6). 7 of the submissions do not count toward it. Last evaluated 2026-08-01.

Conditions:
TTN-related disorder. Also called: TTN-related disorders; TTN-related condition; TTN-related disease.
Cardiovascular phenotype. Identifiers: MedGen CN230736.
Dilated cardiomyopathy 1G (CMD1G). Identifiers: Orphanet 154, MedGen C1858763, MONDO:0011400, OMIM 604145.
Autosomal recessive limb-girdle muscular dystrophy type 2J (LGMDR10). Also called: Limb-girdle muscular dystrophy, type 2J; MUSCULAR DYSTROPHY, LIMB-GIRDLE, AUTOSOMAL RECESSIVE 10. Identifiers: Orphanet 140922, MedGen C1837342, MONDO:0012127, OMIM 608807.
Cardiomyopathy (CMYO). Also called: Cardiomyopathies. Identifiers: Orphanet 167848, MedGen C0878544, MONDO:0004994, HP:0001638. Inheritance: Various modes of inheritance.
Tibial muscular dystrophy (TMD). Also called: UDD MYOPATHY; Tibial muscular dystrophy, tardive; Udd Distal Myopathy – Tibial Muscular Dystrophy. Identifiers: Orphanet 609, MedGen C1838244, MONDO:0010870, OMIM 600334.
Myopathy, myofibrillar, 9, with early respiratory failure (MFM9). Also called: Hereditary myopathy with early respiratory failure; MYOPATHY, PROXIMAL, WITH EARLY RESPIRATORY MUSCLE INVOLVEMENT; Myopathy, distal, with early respiratory failure, autosomal dominant; EDSTROM MYOPATHY. Identifiers: Orphanet 178464, Orphanet 34521, MedGen C1863599, MONDO:0011362, OMIM 603689.
Early-onset myopathy with fatal cardiomyopathy (CMYO5). Also called: Salih Myopathy; CONGENITAL MYOPATHY 5 WITH CARDIOMYOPATHY. Identifiers: Orphanet 289377, MedGen C2673677, MONDO:0012714, OMIM 611705. Disease mechanism: loss of function.

Allele frequency attached by ClinVar (database versions not stated): 1000 Genomes Project 0.00020; 1000 Genomes Project 30x 0.00016; TOPMed 0.00083; ESP Exome Variant Server 0.00093; gnomAD exomes 0.00138.
gnomAD v4.1: 2,099 of 1,612,566 alleles (0.13%); highest among the groups gnomAD compares: Non-Finnish European, 0.16%; 2 homozygotes.

Submissions (23):

CeGaT Center for Human Genetics Tuebingen
Classification: Likely benign. Last evaluated: 2026-08-01. Review status: criteria provided, single submitter. Criteria: CeGaT Center For Human Genetics Tuebingen Variant Classification Criteria Version 2. Collection method: clinical testing. Allele origin: germline. Affected: yes. Observed: 14 variant alleles.
Comment: TTN: BP4, BP7

Labcorp Genetics (formerly Invitae), Labcorp
Classification: Benign for Dilated cardiomyopathy 1G; Autosomal recessive limb-girdle muscular dystrophy type 2J. Last evaluated: 2026-02-03. Review status: criteria provided, single submitter. Criteria: Invitae Variant Classification Sherloc (09022015). Collection method: clinical testing. Allele origin: germline.

Mayo Clinic Laboratories, Mayo Clinic
Classification: Likely benign. Last evaluated: 2025-07-23. Review status: criteria provided, single submitter. Criteria: ACMG Guidelines, 2015. Collection method: clinical testing. Allele origin: germline. Observed: 7 variant alleles.
Comment: BP4, BP7

Blueprint Genetics
Classification: Likely benign. Last evaluated: 2024-11-22. Review status: criteria provided, single submitter. Criteria: ACMG Guidelines, 2015. Collection method: clinical testing. Allele origin: germline.

Athena Diagnostics
Classification: Benign. Last evaluated: 2024-08-13. Review status: criteria provided, single submitter. Criteria: Athena Diagnostics Criteria. Collection method: clinical testing. Allele origin: unknown.

CHEO Genetics Diagnostic Laboratory, Children's Hospital of Eastern Ontario
Classification: Benign for Cardiomyopathy. Last evaluated: 2020-03-19. Review status: criteria provided, single submitter. Criteria: ACMG Guidelines, 2015. Collection method: clinical testing. Allele origin: germline. Study: Canadian Open Genetics Repository.

Women's Health and Genetics/Laboratory Corporation of America, LabCorp
Classification: Benign. Last evaluated: 2019-08-27. Review status: criteria provided, single submitter. Criteria: LabCorp Variant Classification Summary - May 2015. Collection method: clinical testing. Allele origin: germline.

Ambry Genetics
Classification: Likely benign for Cardiovascular phenotype. Last evaluated: 2018-11-30. Review status: criteria provided, single submitter. Criteria: Ambry Variant Classification Scheme 2023. Collection method: clinical testing. Allele origin: germline.

Illumina Laboratory Services, Illumina
Classification: Benign for Tibial muscular dystrophy. Last evaluated: 2018-01-12. Review status: criteria provided, single submitter. Criteria: ICSL Variant Classification Criteria 13 December 2019. Collection method: clinical testing. Allele origin: germline.
Comment: This variant was observed in the ICSL laboratory as part of a predisposition screen in an ostensibly healthy population. It had not been previously curated by ICSL or reported in the Human Gene Mutation Database (HGMD: prior to June 1st, 2018), and was therefore a candidate for classification through an automated scoring system. Utilizing variant allele frequency, disease prevalence and penetrance estimates, and inheritance mode, an automated score was calculated to assess if this variant is too frequent to cause the disease. Based on the score and internal cut-off values, a variant classified as benign is not then subjected to further curation. The score for this variant resulted in a classification of benign for this disease.

Illumina Laboratory Services, Illumina
Classification: Uncertain significance for Early-onset myopathy with fatal cardiomyopathy. Last evaluated: 2018-01-12. Review status: criteria provided, single submitter. Criteria: ICSL Variant Classification Criteria 13 December 2019. Collection method: clinical testing. Allele origin: germline.

Illumina Laboratory Services, Illumina
Classification: Uncertain significance for Dilated cardiomyopathy 1G. Last evaluated: 2018-01-12. Review status: criteria provided, single submitter. Criteria: ICSL Variant Classification Criteria 13 December 2019. Collection method: clinical testing. Allele origin: germline.

Illumina Laboratory Services, Illumina
Classification: Benign for Myopathy, myofibrillar, 9, with early respiratory failure. Last evaluated: 2018-01-12. Review status: criteria provided, single submitter. Criteria: ICSL Variant Classification Criteria 13 December 2019. Collection method: clinical testing. Allele origin: germline.
Comment: the same text as in the submission from Illumina Laboratory Services, Illumina above.

Illumina Laboratory Services, Illumina
Classification: Uncertain significance for Autosomal recessive limb-girdle muscular dystrophy type 2J. Last evaluated: 2018-01-12. Review status: criteria provided, single submitter. Criteria: ICSL Variant Classification Criteria 13 December 2019. Collection method: clinical testing. Allele origin: germline.

Laboratory for Molecular Medicine, Mass General Brigham Personalized Medicine
Classification: Likely benign. Last evaluated: 2017-01-23. Review status: criteria provided, single submitter. Criteria: LMM Criteria. Collection method: clinical testing. Allele origin: germline. Observed: 6 variant alleles.
Comment: p.Asp27951Asp in exon 285 of TTN: This variant is not expected to have clinical significance because it does not alter an amino acid residue and is not located within the splice consensus sequence. It has been identified in 0.1% (83/62394) of European (Non-Finnish) chromosomes by the Exome Aggregation Consortium (ExAC; dbSNP rs202185465).

Eurofins Ntd Llc (ga)
Classification: Likely benign. Last evaluated: 2015-05-21. Review status: criteria provided, single submitter. Criteria: EGL Classification Definitions 2015. Collection method: clinical testing. Allele origin: germline. Observed: 1 variant allele, 1 heterozygote.

GeneDx
Classification: Benign. Last evaluated: 2014-04-30. Review status: criteria provided, single submitter. Criteria: GeneDx Variant Classification (06012015). Collection method: clinical testing. Allele origin: germline. Affected: yes.
Comment: This variant is considered likely benign or benign based on one or more of the following criteria: it is a conservative change, it occurs at a poorly conserved position in the protein, it is predicted to be benign by multiple in silico algorithms, and/or has population frequency not consistent with disease.

PreventionGenetics, part of Exact Sciences
Classification: Likely benign for TTN-related condition. Last evaluated: 2019-08-26. Review status: no assertion criteria provided. Collection method: clinical testing. Allele origin: germline. Not counted in ClinVar's aggregate classification.
Comment: This variant is classified as likely benign based on ACMG/AMP sequence variant interpretation guidelines (Richards et al. 2015 PMID: 25741868, with internal and published modifications).

Clinical Genetics DNA and cytogenetics Diagnostics Lab, Erasmus MC, Erasmus Medical Center
Classification: Likely benign. Review status: no assertion criteria provided. Collection method: clinical testing. Allele origin: germline. Affected: yes. Study: VKGL Data-share Consensus. Not counted in ClinVar's aggregate classification.

Clinical Genetics, Academic Medical Center
Classification: Benign. Review status: no assertion criteria provided. Collection method: clinical testing. Allele origin: germline. Affected: yes. Study: VKGL Data-share Consensus. Not counted in ClinVar's aggregate classification.

Diagnostic Laboratory, Department of Genetics, University Medical Center Groningen
Classification: Likely benign. Review status: no assertion criteria provided. Collection method: clinical testing. Allele origin: germline. Affected: yes. Study: VKGL Data-share Consensus. Not counted in ClinVar's aggregate classification.

Genome Diagnostics Laboratory, University Medical Center Utrecht
Classification: Likely benign. Review status: no assertion criteria provided. Collection method: clinical testing. Allele origin: germline. Affected: yes. Study: VKGL Data-share Consensus. Not counted in ClinVar's aggregate classification.

Joint Genome Diagnostic Labs from Nijmegen and Maastricht, Radboudumc and MUMC+
Classification: Benign. Review status: no assertion criteria provided. Collection method: clinical testing. Allele origin: germline. Affected: yes. Study: VKGL Data-share Consensus. Not counted in ClinVar's aggregate classification.

Laboratory of Diagnostic Genome Analysis, Leiden University Medical Center (LUMC)
Classification: Likely benign. Review status: no assertion criteria provided. Collection method: clinical testing. Allele origin: germline. Affected: yes. Study: VKGL Data-share Consensus. Not counted in ClinVar's aggregate classification.

Literature cited by the submitters: PubMed 37904629 (cited by Athena Diagnostics).

NM_001267550.2(TTN):c.91557T>C (p.Asp30519=)

Genes: TTN (titin; minus strand), TTN-AS1 (TTN antisense RNA 1; plus strand). Cytogenetic location: 2q31.2.
Variant type: single nucleotide variant.
Coding change: c.91557T>C on transcript NM_001267550.2 (MANE Select); coding-DNA position 91557, T replaced by C.
Protein change: p.Asp30519=; no amino-acid change (aspartic acid 30519 retained).
Molecular consequence: synonymous variant.
Genome position (GRCh38, 1-based): chr2:178,550,974, A>G on the plus strand (T>C on the coding strand, the complement: TTN is on the minus strand). VCF-style: chr2-178550974-A-G. GRCh37 (hg19) VCF-style: chr2-179415701-A-G.
Other names: p.D28878D:GAT>GAC; p.Asp28878=; c.86634T>C, p.Asp28878= (NM_001256850.1); c.64362T>C, p.Asp21454= (NM_003319.4); c.83853T>C, p.Asp27951= (NM_133378.4); c.64737T>C, p.Asp21579= (NM_133432.3); c.64938T>C, p.Asp21646= (NM_133437.4).
Identifiers: ClinVar variation 137812 (VCV000137812.76), dbSNP rs202185465, ClinGen allele CA295739.
Genomic context (GRCh38, chr2:178,550,974, plus strand): 5'-TTTAAAAATGTGAATGCTCTTAGTCTCATTGGAAATAAGTTGTAAATGCTTACCATTTTC[A>G]TCTCTTGTCATAATAATGCCAGAAGACTGTGAGGGCGGGCTTATAGTTCCAACAGCATTT-3'
Protein context (NP_001254479.2, residues 30509-30529): SQSSGIIMTR[Asp30519=]ENVPPIVEFG